The following is an entry in ClinVar:

NM_000426.4(LAMA2):c.910-14del

Gene: LAMA2 (laminin subunit alpha 2; plus strand). Cytogenetic location: 6q22.33.
Variant type: Deletion.
Coding change: c.910-14del on transcript NM_000426.4 (MANE Select); 14 bases into the intron before coding-DNA position 910, one base deleted (C; older notation c.910-14delC).
Molecular consequence: intron variant.
Genome position (GRCh38, 1-based): chr6:129,148,965, C deleted; the last of 3 consecutive C bases (chr6:129,148,963-129,148,965); deleting any one gives the same sequence. VCF-style (leftmost placement, unchanged base first): chr6-129148962-TC-T. GRCh37 (hg19) VCF-style: chr6-129470107-TC-T.
Other names: c.910-14delC (NM_000426.3); c.910-14del (NM_001079823.2).
Identifiers: ClinVar variation 421904 (VCV000421904.10), dbSNP rs769173629, ClinGen allele CA3992475.

ClinVar aggregate classification (germline): Likely benign. Review status: criteria provided, multiple submitters, no conflicts (2 of 4 stars). 3 submissions from 3 submitters: Likely benign (3). Last evaluated 2026-02-01.

Conditions:
LAMA2-related muscular dystrophy (LAMA2-RD). Also called: Laminin alpha 2-related dystrophy. Identifiers: MedGen C5679788, MONDO:0100228.

Submissions (3):

Labcorp Genetics (formerly Invitae), Labcorp
Classification: Likely benign for LAMA2-related muscular dystrophy. Last evaluated: 2026-02-01. Review status: criteria provided, single submitter. Criteria: Invitae Variant Classification Sherloc (09022015). Collection method: clinical testing. Allele origin: germline.

Blueprint Genetics
Classification: Likely benign. Last evaluated: 2024-07-05. Review status: criteria provided, single submitter. Criteria: ACMG Guidelines, 2015. Collection method: clinical testing. Allele origin: germline.

GeneDx
Classification: Likely benign. Last evaluated: 2016-08-17. Review status: criteria provided, single submitter. Criteria: GeneDx Variant Classification (06012015). Collection method: clinical testing. Allele origin: germline. Affected: yes.
Comment: This variant is considered likely benign or benign based on one or more of the following criteria: it is a conservative change, it occurs at a poorly conserved position in the protein, it is predicted to be benign by multiple in silico algorithms, and/or has population frequency not consistent with disease.